The following is an entry in ClinVar:

NM_002471.4(MYH6):c.3927T>C (p.Ser1309=)

Gene: MYH6 (myosin heavy chain 6; minus strand). Cytogenetic location: 14q11.2.
Variant type: single nucleotide variant.
Coding change: c.3927T>C on transcript NM_002471.4 (MANE Select); coding-DNA position 3927, T replaced by C.
Protein change: p.Ser1309=; no amino-acid change (serine 1309 retained).
Molecular consequence: synonymous variant.
Genome position (GRCh38, 1-based): chr14:23,389,444, A>G on the plus strand (T>C on the coding strand, the complement: MYH6 is on the minus strand). VCF-style: chr14-23389444-A-G. GRCh37 (hg19) VCF-style: chr14-23858653-A-G.
Identifiers: ClinVar variation 44494 (VCV000044494.31), dbSNP rs115742584, ClinGen allele CA134360.

ClinVar aggregate classification (germline): Benign/Likely benign. Review status: criteria provided, multiple submitters, no conflicts (2 of 4 stars). 11 submissions from 11 submitters: Benign (5); Likely benign (3). 3 of the submissions do not count toward it. Last evaluated 2026-01-31.

Conditions:
MYH6-related disorder. Also called: MYH6-Related Disorders; MYH6-related condition.
Cardiomyopathy (CMYO). Also called: Cardiomyopathies. Identifiers: Orphanet 167848, MedGen C0878544, MONDO:0004994, HP:0001638. Inheritance: Various modes of inheritance.
Hypertrophic cardiomyopathy 14. Identifiers: MedGen C2750467, MONDO:0013197, OMIM 613251.

Allele frequency attached by ClinVar (database versions not stated): 1000 Genomes Project 0.00100; TOPMed 0.00134; gnomAD 0.00137 and 0.00145; ESP Exome Variant Server 0.00154; 1000 Genomes Project 30x 0.00172; gnomAD exomes 0.00014 and 0.00036; ExAC 0.00041.
gnomAD v4.1: 423 of 1,614,106 alleles (0.026%); highest among the groups gnomAD compares: African/African-American, 0.41%; no homozygotes.

Submissions (11):

Labcorp Genetics (formerly Invitae), Labcorp
Classification: Benign for Hypertrophic cardiomyopathy 14. Last evaluated: 2026-01-31. Review status: criteria provided, single submitter. Criteria: Invitae Variant Classification Sherloc (09022015). Collection method: clinical testing. Allele origin: germline.

Blueprint Genetics
Classification: Benign. Last evaluated: 2024-11-27. Review status: criteria provided, single submitter. Criteria: ACMG Guidelines, 2015. Collection method: clinical testing. Allele origin: germline.

PreventionGenetics, part of Exact Sciences
Classification: Likely benign for MYH6-related condition. Last evaluated: 2024-11-25. Review status: criteria provided, single submitter. Criteria: ACMG Guidelines, 2015. Collection method: clinical testing. Allele origin: germline.
Comment: This variant is classified as likely benign based on ACMG/AMP sequence variant interpretation guidelines (Richards et al. 2015 PMID: 25741868, with internal and published modifications).

Women's Health and Genetics/Laboratory Corporation of America, LabCorp
Classification: Benign. Last evaluated: 2020-08-30. Review status: criteria provided, single submitter. Criteria: LabCorp Variant Classification Summary - May 2015. Collection method: clinical testing. Allele origin: germline.

ARUP Laboratories, Molecular Genetics and Genomics, ARUP Laboratories
Classification: Benign. Last evaluated: 2020-01-16. Review status: criteria provided, single submitter. Criteria: ARUP Molecular Germline Variant Investigation Process. Collection method: clinical testing. Allele origin: germline.

GeneDx
Classification: Likely benign. Last evaluated: 2017-06-20. Review status: criteria provided, single submitter. Criteria: GeneDx Variant Classification (06012015). Collection method: clinical testing. Allele origin: germline. Affected: yes.
Comment: This variant is considered likely benign or benign based on one or more of the following criteria: it is a conservative change, it occurs at a poorly conserved position in the protein, it is predicted to be benign by multiple in silico algorithms, and/or has population frequency not consistent with disease.

CHEO Genetics Diagnostic Laboratory, Children's Hospital of Eastern Ontario
Classification: Likely benign for Cardiomyopathy. Last evaluated: 2015-10-13. Review status: criteria provided, single submitter. Criteria: ACMG Guidelines, 2015. Collection method: clinical testing. Allele origin: germline. Study: Canadian Open Genetics Repository.

Laboratory for Molecular Medicine, Mass General Brigham Personalized Medicine
Classification: Benign. Last evaluated: 2012-03-19. Review status: criteria provided, single submitter. Criteria: LMM Criteria. Collection method: clinical testing. Allele origin: germline. Observed: 1 variant allele.
Comment: p.Ser1309Ser in Exon 28 of MYH6: This variant is not expected to have clinical s ignificance because it does not alter an amino acid residue, is not located with in the splice consensus sequence and has been identified in 0.5% (18/3738) of Af rican American chromosomes from a broad population by the NHLBI Exome Sequencing Project (dbSNP rs115742584).

Clinical Genetics DNA and cytogenetics Diagnostics Lab, Erasmus MC, Erasmus Medical Center
Classification: Likely benign. Review status: no assertion criteria provided. Collection method: clinical testing. Allele origin: germline. Affected: yes. Study: VKGL Data-share Consensus. Not counted in ClinVar's aggregate classification.

Clinical Genetics, Academic Medical Center
Classification: Benign. Review status: no assertion criteria provided. Collection method: clinical testing. Allele origin: germline. Affected: yes. Study: VKGL Data-share Consensus. Not counted in ClinVar's aggregate classification.

Genome Diagnostics Laboratory, University Medical Center Utrecht
Classification: Likely benign. Review status: no assertion criteria provided. Collection method: clinical testing. Allele origin: germline. Affected: yes. Study: VKGL Data-share Consensus. Not counted in ClinVar's aggregate classification.